The following is an entry in ClinVar:

NM_003482.4(KMT2D):c.7160C>T (p.Pro2387Leu)

Gene: KMT2D (lysine methyltransferase 2D; minus strand). Cytogenetic location: 12q13.12.
Variant type: single nucleotide variant.
Coding change: c.7160C>T on transcript NM_003482.4 (MANE Select); coding-DNA position 7160, C replaced by T.
Protein change: p.Pro2387Leu; replaces proline 2387 with leucine.
Molecular consequence: missense variant.
Genome position (GRCh38, 1-based): chr12:49,040,610, G>A on the plus strand (C>T on the coding strand, the complement: KMT2D is on the minus strand). VCF-style: chr12-49040610-G-A. GRCh37 (hg19) VCF-style: chr12-49434393-G-A.
Other names: short protein forms P2387L.
Identifiers: ClinVar variation 3620539 (VCV003620539.3).
Genomic context (GRCh38, chr12:49,040,610, plus strand): 5'-GGGTCGGAGGGCAGTGAGCGAGGGGGCAGAGCACAGCAGCTCTCAGGGGGCGGAGGTTGG[G>A]GCCGAGGAGTCAATGGGGGCTGAGCATATGGGTCAGTGTAGGAGCCAGGGCGAAAGATGT-3'
Protein context (NP_003473.3, residues 2377-2397): PYAQPPLTPR[Pro2387Leu]QPPPPESCCA

ClinVar aggregate classification (germline): Conflicting classifications of pathogenicity. Review status: criteria provided, conflicting classifications (1 of 4 stars). 2 submissions from 2 submitters: Uncertain significance (1); Benign (1). Last evaluated 2025-01-27.

Conditions:
KMT2D-related disorder. Also called: KMT2D-Related Disorders.
Kabuki syndrome. Also called: Kabuki make-up syndrome; NIIKAWA-KUROKI SYNDROME. Identifiers: Orphanet 2322, MedGen C0796004, MONDO:0016512.

gnomAD v4.1: 6 of 1,613,520 alleles (0.00037%); highest among the groups gnomAD compares: South Asian, 0.0066%; no homozygotes.

Submissions (2):

PreventionGenetics, part of Exact Sciences
Classification: Uncertain significance for KMT2D-related condition. Last evaluated: 2025-01-27. Review status: criteria provided, single submitter. Criteria: ACMG Guidelines, 2015. Collection method: clinical testing. Allele origin: germline.
Comment: The KMT2D c.7160C>T variant is predicted to result in the amino acid substitution p.Pro2387Leu. To our knowledge, this variant has not been reported in the literature. This variant is reported in 0.0033% of alleles in individuals of South Asian descent in gnomAD. At this time, the clinical significance of this variant is uncertain due to the absence of conclusive functional and genetic evidence.

Labcorp Genetics (formerly Invitae), Labcorp
Classification: Benign for Kabuki syndrome. Last evaluated: 2024-12-23. Review status: criteria provided, single submitter. Criteria: Invitae Variant Classification Sherloc (09022015). Collection method: clinical testing. Allele origin: germline.